The following is an entry in ClinVar:

ClinVar aggregate classification (germline): Conflicting classifications of pathogenicity. Review status: criteria provided, conflicting classifications (1 of 4 stars). 9 submissions from 9 submitters: Uncertain significance (7); Likely benign (2). Last evaluated 2026-04-16.

Conditions:
Cardiovascular phenotype. Identifiers: MedGen CN230736.
Catecholaminergic polymorphic ventricular tachycardia 1. Also called: RYR2-Related Catecholaminergic Polymorphic Ventricular Tachycardia; VENTRICULAR TACHYCARDIA, CATECHOLAMINERGIC POLYMORPHIC, 1, WITH OR WITHOUT ATRIAL DYSFUNCTION AND/OR DILATED CARDIOMYOPATHY; VENTRICULAR TACHYCARDIA, STRESS-INDUCED POLYMORPHIC 1. Identifiers: Orphanet 3286, MedGen C1631597, MONDO:0011484, OMIM 604772.
Arrhythmogenic right ventricular dysplasia 2. Identifiers: MedGen C1832931.
Ventricular arrhythmias due to cardiac ryanodine receptor calcium release deficiency syndrome. Also called: Autosomal dominant cardiac arrhythmia (Kuhn). Identifiers: MedGen C5542154, MONDO:0020745, OMIM 115000.
Cardiomyopathy (CMYO). Also called: Cardiomyopathies. Identifiers: Orphanet 167848, MedGen C0878544, MONDO:0004994, HP:0001638. Inheritance: Various modes of inheritance.

Allele frequency attached by ClinVar (database versions not stated): gnomAD exomes 0.00004 and 0.00012; ESP Exome Variant Server 0.00008; ExAC 0.00010; gnomAD 0.00010; TOPMed 0.00011.
gnomAD v4.1: 80 of 1,589,794 alleles (0.005%); highest among the groups gnomAD compares: Admixed American, 0.012%; no homozygotes.

Submissions (9):

Ambry Genetics
Classification: Uncertain significance for Cardiovascular phenotype. Last evaluated: 2026-04-16. Review status: criteria provided, single submitter. Criteria: Ambry Variant Classification Scheme 2023. Collection method: clinical testing. Allele origin: germline.
Comment: The c.9190G>A (p.A3064T) alteration is located in exon 65 (coding exon 65) of the RYR2 gene. This alteration results from a G to A substitution at nucleotide position 9190, causing the alanine (A) at amino acid position 3064 to be replaced by a threonine (T). Based on data from gnomAD, the A allele has an overall frequency of 0.012% (28/244118) total alleles studied. The highest observed frequency was 0.078% (18/23152) of European (Finnish) alleles. Based on insufficient or conflicting evidence, the clinical significance of this alteration remains unclear.

GeneDx
Classification: Uncertain significance. Last evaluated: 2026-02-19. Review status: criteria provided, single submitter. Criteria: GeneDx Variant Classification Process June 2021. Collection method: clinical testing. Allele origin: germline.
Comment: Identified as a incidental finding in a cohort of individuals referred for whole exome sequencing and in a patient with sudden cardiac death and coronary artery disease (PMID: 35087879, 28404607); In silico analysis supports that this missense variant has a deleterious effect on protein structure/function; Not located in one of the three hot-spot regions of the RYR2 gene, where the majority of pathogenic missense variants occur (PMID: 19926015); This variant is associated with the following publications: (PMID: 28404607, 35087879, 19926015)

Women's Health and Genetics/Laboratory Corporation of America, LabCorp
Classification: Uncertain significance. Last evaluated: 2026-01-16. Review status: criteria provided, single submitter. Criteria: LabCorp Variant Classification Summary - May 2015. Collection method: clinical testing. Allele origin: germline.
Comment: Variant summary: RYR2 c.9190G>A (p.Ala3064Thr) results in a non-conservative amino acid change in the encoded protein sequence. Algorithms developed to predict the effect of missense changes on protein structure and function all suggest that this variant is likely to be disruptive. The variant allele was found at a frequency of 0.00012 in 212738 control chromosomes. The observed variant frequency exceeds the estimated maximal expected allele frequency for disease-causing variants in RYR2. c.9190G>A has been observed in individual(s) affected with Sudden cardiac death (Vahatalo_2022). These report(s) do not provide unequivocal conclusions about association of the variant with Catecholaminergic Polymorphic Ventricular Tachycardia. To our knowledge, no experimental evidence demonstrating an impact on protein function has been reported. The following publications have been ascertained in the context of this evaluation (PMID: 35087879, 34045587). ClinVar contains an entry for this variant (Variation ID: 629423). Based on the evidence outlined above, the variant was classified as uncertain significance.

Labcorp Genetics (formerly Invitae), Labcorp
Classification: Uncertain significance for Catecholaminergic polymorphic ventricular tachycardia 1. Last evaluated: 2025-10-13. Review status: criteria provided, single submitter. Criteria: Invitae Variant Classification Sherloc (09022015). Collection method: clinical testing. Allele origin: germline.
Comment: This sequence change replaces alanine, which is neutral and non-polar, with threonine, which is neutral and polar, at codon 3064 of the RYR2 protein (p.Ala3064Thr). This variant is present in population databases (rs375482798, gnomAD 0.07%). This missense change has been observed in individual(s) with clinical features of RYR2-related conditions (PMID: 35087879). ClinVar contains an entry for this variant (Variation ID: 629423). Invitae Evidence Modeling of protein sequence and biophysical properties (such as structural, functional, and spatial information, amino acid conservation, physicochemical variation, residue mobility, and thermodynamic stability) has been performed for this missense variant. However, the output from this modeling did not meet the statistical confidence thresholds required to predict the impact of this variant on RYR2 protein function. In summary, the available evidence is currently insufficient to determine the role of this variant in disease. Therefore, it has been classified as a Variant of Uncertain Significance.

Mayo Clinic Laboratories, Mayo Clinic
Classification: Uncertain significance. Last evaluated: 2024-09-04. Review status: criteria provided, single submitter. Criteria: ACMG Guidelines, 2015. Collection method: clinical testing. Allele origin: germline. Observed: 1 variant allele.
Comment: BS1, PP2

Blueprint Genetics
Classification: Likely benign. Last evaluated: 2024-08-28. Review status: criteria provided, single submitter. Criteria: ACMG Guidelines, 2015. Collection method: clinical testing. Allele origin: germline.

Color Diagnostics, LLC DBA Color Health
Classification: Likely benign for Cardiomyopathy. Last evaluated: 2024-02-05. Review status: criteria provided, single submitter. Criteria: ACMG Guidelines, 2015. Collection method: clinical testing. Allele origin: germline.

Fulgent Genetics
Classification: Uncertain significance for Ventricular arrhythmias due to cardiac ryanodine receptor calcium release deficiency syndrome; Catecholaminergic polymorphic ventricular tachycardia 1. Last evaluated: 2021-08-30. Review status: criteria provided, single submitter. Criteria: ACMG Guidelines, 2015. Collection method: clinical testing. Allele origin: unknown.

Baylor Genetics
Classification: Uncertain significance for Catecholaminergic polymorphic ventricular tachycardia 1. Last evaluated: 2019-09-27. Review status: criteria provided, single submitter. Criteria: ACMG Guidelines, 2015. Collection method: clinical testing. Allele origin: unknown. Affected: yes.
Comment: This variant was determined to be of uncertain significance according to ACMG Guidelines, 2015 [PMID:25741868].

Literature cited by the submitters: PubMed 35087879 (cited by 3 submitters); PubMed 34045587 (cited by Women's Health and Genetics/Laboratory Corporation of America, LabCorp).

NM_001035.3(RYR2):c.9190G>A (p.Ala3064Thr)

Gene: RYR2 (ryanodine receptor 2; plus strand). Cytogenetic location: 1q43.
Variant type: single nucleotide variant.
Coding change: c.9190G>A on transcript NM_001035.3 (MANE Select); coding-DNA position 9190, G replaced by A.
Protein change: p.Ala3064Thr; replaces alanine 3064 with threonine.
Molecular consequence: missense variant.
Genome position (GRCh38, 1-based): chr1:237,700,290, G>A. VCF-style: chr1-237700290-G-A. GRCh37 (hg19) VCF-style: chr1-237863590-G-A.
Other names: p.Ala3064Thr; c.9190G>A, p.Ala3064Thr (LRG_402t1); short protein forms A3064T.
Identifiers: ClinVar variation 629423 (VCV000629423.25), dbSNP rs375482798, ClinGen allele CA087845.